The following is an entry in ClinVar:

NM_004972.4(JAK2):c.614+6T>A

Genes: INSL6 (insulin like 6; minus strand), JAK2 (Janus kinase 2; plus strand). Cytogenetic location: 9p24.1.
Variant type: single nucleotide variant.
Coding change: c.614+6T>A on transcript NM_004972.4 (MANE Select); 6 bases into the intron after coding-DNA position 614, T replaced by A.
Molecular consequence: intron variant.
Genome position (GRCh38, 1-based): chr9:5,050,837, T>A. VCF-style: chr9-5050837-T-A. GRCh37 (hg19) VCF-style: chr9-5050837-T-A.
Other names: c.614+6T>A (NM_001322194.2, NM_001322195.2, NM_001322196.2); c.-507+6T>A (NM_001322198.2, NM_001322199.2); c.167+6T>A (NM_001322204.2).
Identifiers: ClinVar variation 2819202 (VCV002819202.3), dbSNP rs1163257946, ClinGen allele CA865060166.

ClinVar aggregate classification (germline): Uncertain significance (1 of 4 stars; one submission).

Allele frequency attached by ClinVar (database versions not stated): TOPMed below 0.00001; gnomAD 0.00001.

Submission:

Labcorp Genetics (formerly Invitae), Labcorp
Classification: Uncertain significance. Last evaluated: 2023-08-11. Review status: criteria provided, single submitter. Criteria: Invitae Variant Classification Sherloc (09022015). Collection method: clinical testing. Allele origin: germline.
Comment: In summary, the available evidence is currently insufficient to determine the role of this variant in disease. Therefore, it has been classified as a Variant of Uncertain Significance. Variants that disrupt the consensus splice site are a relatively common cause of aberrant splicing (PMID: 17576681, 9536098). Algorithms developed to predict the effect of sequence changes on RNA splicing suggest that this variant is not likely to affect RNA splicing. This variant has not been reported in the literature in individuals affected with JAK2-related conditions. This variant is not present in population databases (gnomAD no frequency). This sequence change falls in intron 6 of the JAK2 gene. It does not directly change the encoded amino acid sequence of the JAK2 protein. It affects a nucleotide within the consensus splice site.

Literature cited by the submitters: PubMed 17576681; PubMed 9536098.